The following is an entry in ClinVar:

NM_001378120.1(MBD5):c.4963-56G>A

Gene: MBD5 (methyl-CpG binding domain protein 5; plus strand). Cytogenetic location: 2q23.1.
Variant type: single nucleotide variant.
Coding change: c.4963-56G>A on transcript NM_001378120.1 (MANE Select); 56 bases into the intron before coding-DNA position 4963, G replaced by A.
Molecular consequence: intron variant.
Genome position (GRCh38, 1-based): chr2:148,502,380, G>A. VCF-style: chr2-148502380-G-A. GRCh37 (hg19) VCF-style: chr2-149259949-G-A.
Other names: c.4264-56G>A (NM_018328.5).
Identifiers: ClinVar variation 670766 (VCV000670766.2), dbSNP rs73003524, ClinGen allele CA11086154.

ClinVar aggregate classification (germline): Benign. Review status: criteria provided, multiple submitters, no conflicts (2 of 4 stars). 2 submissions from 2 submitters: Benign (2). Last evaluated 2018-06-19.

Allele frequency attached by ClinVar (database versions not stated): ESP Exome Variant Server 0.06658; TOPMed 0.06967; gnomAD 0.07035 and 0.07305; gnomAD exomes 0.07544; 1000 Genomes Project 30x 0.09572; 1000 Genomes Project 0.10024.
gnomAD v4.1: 115,300 of 1,532,130 alleles (7.5%); highest among the groups gnomAD compares: East Asian, 19%; 4,993 homozygotes.

Submissions (2):

GeneDx
Classification: Benign. Last evaluated: 2018-06-19. Review status: criteria provided, single submitter. Criteria: GeneDx Variant Classification (06012015). Collection method: clinical testing. Allele origin: germline. Affected: yes.
Comment: This variant is considered likely benign or benign based on one or more of the following criteria: it is a conservative change, it occurs at a poorly conserved position in the protein, it is predicted to be benign by multiple in silico algorithms, and/or has population frequency not consistent with disease.

Breakthrough Genomics
Classification: Benign. Review status: criteria provided, single submitter. Criteria: ACMG Guidelines, 2015. Collection method: not provided. Allele origin: germline. Inheritance: Autosomal dominant inheritance. Affected: yes.